The following is an entry in ClinVar:

NM_000061.3(BTK):c.842G>A (p.Trp281Ter)

Gene: BTK (Bruton tyrosine kinase; minus strand). Cytogenetic location: Xq22.1.
Variant type: single nucleotide variant.
Coding change: c.842G>A on transcript NM_000061.3 (MANE Select); coding-DNA position 842, G replaced by A.
Protein change: p.Trp281Ter; replaces tryptophan 281 with a stop codon.
Molecular consequence: nonsense.
Genome position (GRCh38, 1-based): chrX:101,359,345, C>T on the plus strand (G>A on the coding strand, the complement: BTK is on the minus strand). VCF-style: chrX-101359345-C-T. GRCh37 (hg19) VCF-style: chrX-100614333-C-T.
Other names: c.842G>A (NM_000061.2); c.944G>A, p.Trp315Ter (NM_001287344.2); c.842G>A, p.Trp281Ter (NM_001287345.2); short protein forms W281*, W315*.
Identifiers: ClinVar variation 1683487 (VCV001683487.4), dbSNP rs2147431031, ClinGen allele CA413930386.
Genomic context (GRCh38, chrX:101,359,345, plus strand): 5'-ACACTTACCTCTTGCTTTAGCAGTTGCTCAGCCTGACTCCGAGTCATGTGTTTGGAATAC[C>T]ACCTGTGAAGGGAGAGTGCTGCTTGAGTGGCTCCTGGTCATAAGCAGATTGGAGGTTACA-3'

ClinVar aggregate classification (germline): Likely pathogenic. Review status: criteria provided, single submitter (1 of 4 stars). 2 submissions from 2 submitters: Likely pathogenic (1). 1 of the submissions does not count toward it. Last evaluated 2023-01-03.

Conditions:
X-linked agammaglobulinemia (XLA). Also called: Agammaglobulinemia, Bruton tyrosine kinase; Agammaglobulinemia, BTK; BTK-deficiency; IMMUNODEFICIENCY 1; Bruton's agammaglobulinemia; AGAMMAGLOBULINEMIA, X-LINKED, TYPE 1. Identifiers: Orphanet 229717, Orphanet 47, MedGen C0221026, MONDO:0010421, OMIM 300755.

Submissions (2):

Diagnostic Genetics, Severance Hospital, Yonsei University College of Medicine
Classification: Likely pathogenic for X-linked agammaglobulinemia. Last evaluated: 2023-01-03. Review status: criteria provided, single submitter. Criteria: ACMG Guidelines, 2015. Collection method: clinical testing. Allele origin: germline. Affected: yes.

Institute of Medical Genetics and Genomics, Sir Ganga Ram Hospital
Classification: Pathogenic for X-linked agammaglobulinemia. Last evaluated: 2022-05-10. Review status: no assertion criteria provided. Collection method: clinical testing. Allele origin: germline. Inheritance: X-linked recessive inheritance. Affected: yes. Observed: 1 hemizygote. Not counted in ClinVar's aggregate classification.
Comment: The variant c.842G>A (p.Trp281Ter) has been previously reported by Xiao-chuan Wang et al., in 2005. It not been observed in gnomAD and 1000g. In-silico bioinformatic software predict this variant by mutation taster as Disease causing. Based on the phenotypic observation we classify this variant as pathogenic variant.

Literature cited by the submitters: PubMed 16053733 (cited by Institute of Medical Genetics and Genomics, Sir Ganga Ram Hospital).